The following is an entry in ClinVar:

NM_000238.4(KCNH2):c.2795C>T (p.Ser932Phe)

Gene: KCNH2 (potassium voltage-gated channel subfamily H member 2; minus strand). Cytogenetic location: 7q36.1.
Variant type: single nucleotide variant.
Coding change: c.2795C>T on transcript NM_000238.4 (MANE Select); coding-DNA position 2795, C replaced by T.
Protein change: p.Ser932Phe; replaces serine 932 with phenylalanine.
Molecular consequence: missense variant.
Genome position (GRCh38, 1-based): chr7:150,947,776, G>A on the plus strand (C>T on the coding strand, the complement: KCNH2 is on the minus strand). VCF-style: chr7-150947776-G-A. GRCh37 (hg19) VCF-style: chr7-150644864-G-A.
Other names: c.1775C>T, p.Ser592Phe (NM_172057.3); short protein forms S932F, S592F.
Identifiers: ClinVar variation 925842 (VCV000925842.12), dbSNP rs1800966447, ClinGen allele CA369853388.

ClinVar aggregate classification (germline): Uncertain significance. Review status: criteria provided, multiple submitters, no conflicts (2 of 4 stars). 3 submissions from 3 submitters: Uncertain significance (3). Last evaluated 2025-03-14.

Conditions:
Cardiovascular phenotype. Identifiers: MedGen CN230736.
Cardiac arrhythmia. Also called: Arrhythmia; Cardiac rhythm disease. Identifiers: MedGen C0003811, MONDO:0007263, HP:0011675.
Long QT syndrome (LQTS). Identifiers: MedGen C0023976, MeSH D008133, MONDO:0002442. Disease mechanism: loss of function. Inheritance: Various modes of inheritance.

Submissions (3):

Ambry Genetics
Classification: Uncertain significance for Cardiovascular phenotype. Last evaluated: 2025-03-14. Review status: criteria provided, single submitter. Criteria: Ambry Variant Classification Scheme 2023. Collection method: clinical testing. Allele origin: germline.
Comment: The p.S932F variant (also known as c.2795C>T), located in coding exon 12 of the KCNH2 gene, results from a C to T substitution at nucleotide position 2795. The serine at codon 932 is replaced by phenylalanine, an amino acid with highly dissimilar properties. This amino acid position is highly conserved in available vertebrate species. In addition, this alteration is predicted to be deleterious by in silico analysis. Based on the available evidence, the clinical significance of this variant remains unclear.

Color Diagnostics, LLC DBA Color Health
Classification: Uncertain significance for Cardiac arrhythmia. Last evaluated: 2024-03-07. Review status: criteria provided, single submitter. Criteria: ACMG Guidelines, 2015. Collection method: clinical testing. Allele origin: germline.
Comment: This missense variant replaces serine with phenylalanine at codon 932 of the KCNH2 protein. Computational prediction tool is inconclusive regarding the impact of this variant on protein structure and function (internally defined REVEL score threshold 0.5 < inconclusive < 0.7, PMID: 27666373). Splice site prediction tools suggest that this variant may not impact RNA splicing. To our knowledge, functional studies have not been performed for this variant. This variant has not been reported in individuals affected with cardiovascular disorders in the literature. This variant has not been identified in the general population by the Genome Aggregation Database (gnomAD). The available evidence is insufficient to determine the role of this variant in disease conclusively. Therefore, this variant is classified as a Variant of Uncertain Significance.

Labcorp Genetics (formerly Invitae), Labcorp
Classification: Uncertain significance for Long QT syndrome. Last evaluated: 2022-03-29. Review status: criteria provided, single submitter. Criteria: Invitae Variant Classification Sherloc (09022015). Collection method: clinical testing. Allele origin: germline.
Comment: In summary, the available evidence is currently insufficient to determine the role of this variant in disease. Therefore, it has been classified as a Variant of Uncertain Significance. Algorithms developed to predict the effect of missense changes on protein structure and function are either unavailable or do not agree on the potential impact of this missense change (SIFT: "Deleterious"; PolyPhen-2: "Possibly Damaging"; Align-GVGD: "Class C0"). ClinVar contains an entry for this variant (Variation ID: 925842). This variant has not been reported in the literature in individuals affected with KCNH2-related conditions. This variant is not present in population databases (gnomAD no frequency). This sequence change replaces serine, which is neutral and polar, with phenylalanine, which is neutral and non-polar, at codon 932 of the KCNH2 protein (p.Ser932Phe).